The following is an entry in ClinVar:

NM_000429.3(MAT1A):c.488G>A (p.Arg163Gln)

Gene: MAT1A (methionine adenosyltransferase 1A; minus strand). Cytogenetic location: 10q22.3.
Variant type: single nucleotide variant.
Coding change: c.488G>A on transcript NM_000429.3 (MANE Select); coding-DNA position 488, G replaced by A.
Protein change: p.Arg163Gln; replaces arginine 163 with glutamine.
Molecular consequence: missense variant.
Genome position (GRCh38, 1-based): chr10:80,280,234, C>T on the plus strand (G>A on the coding strand, the complement: MAT1A is on the minus strand). VCF-style: chr10-80280234-C-T. GRCh37 (hg19) VCF-style: chr10-82039990-C-T.
Other names: short protein forms R163Q.
Identifiers: ClinVar variation 301189 (VCV000301189.11), dbSNP rs752361383, ClinGen allele CA5576781.

ClinVar aggregate classification (germline): Uncertain significance. Review status: criteria provided, multiple submitters, no conflicts (2 of 4 stars). 3 submissions from 3 submitters: Uncertain significance (3). Last evaluated 2025-04-25.

Conditions:
Inborn genetic diseases. Identifiers: MedGen C0950123, MeSH D030342.
Hepatic methionine adenosyltransferase deficiency. Also called: MAT I/III DEFICIENCY; Deficiency of methionine adenosyltransferase; Isolated Persistent Hypermethioninemia; Methionine adenosyltransferase deficiency. Identifiers: Orphanet 168598, MedGen C0268621, MeSH C564683, MONDO:0009607, OMIM 250850.

Allele frequency attached by ClinVar (database versions not stated): ExAC 0.00001; gnomAD exomes 0.00001; gnomAD 0.00008 and 0.00009; TOPMed 0.00025.

Submissions (3):

Labcorp Genetics (formerly Invitae), Labcorp
Classification: Uncertain significance for Hepatic methionine adenosyltransferase deficiency. Last evaluated: 2025-04-25. Review status: criteria provided, single submitter. Criteria: Invitae Variant Classification Sherloc (09022015). Collection method: clinical testing. Allele origin: germline.
Comment: This sequence change replaces arginine, which is basic and polar, with glutamine, which is neutral and polar, at codon 163 of the MAT1A protein (p.Arg163Gln). This variant is present in population databases (rs752361383, gnomAD 0.003%). This variant has not been reported in the literature in individuals affected with MAT1A-related conditions. ClinVar contains an entry for this variant (Variation ID: 301189). Invitae Evidence Modeling of protein sequence and biophysical properties (such as structural, functional, and spatial information, amino acid conservation, physicochemical variation, residue mobility, and thermodynamic stability) indicates that this missense variant is not expected to disrupt MAT1A protein function with a negative predictive value of 80%. This variant disrupts the p.Arg163 amino acid residue in MAT1A. Other variant(s) that disrupt this residue have been determined to be pathogenic (PMID: 26933843). This suggests that this residue is clinically significant, and that variants that disrupt this residue are likely to be disease-causing. In summary, the available evidence is currently insufficient to determine the role of this variant in disease. Therefore, it has been classified as a Variant of Uncertain Significance.

Ambry Genetics
Classification: Uncertain significance for Inborn genetic diseases. Last evaluated: 2021-09-16. Review status: criteria provided, single submitter. Criteria: Ambry Variant Classification Scheme 2023. Collection method: clinical testing. Allele origin: germline.

Illumina Laboratory Services, Illumina
Classification: Uncertain significance for Hepatic methionine adenosyltransferase deficiency. Last evaluated: 2018-01-13. Review status: criteria provided, single submitter. Criteria: ICSL Variant Classification Criteria 13 December 2019. Collection method: clinical testing. Allele origin: germline.

Literature cited by the submitters: PubMed 26933843 (cited by Labcorp Genetics (formerly Invitae), Labcorp).